The following is an entry in ClinVar:

ClinVar aggregate classification (germline): Conflicting classifications of pathogenicity. Review status: criteria provided, conflicting classifications (1 of 4 stars). 3 submissions from 3 submitters: Uncertain significance (2); Likely benign (1). Last evaluated 2025-12-15.

Conditions:
Fanconi anemia (FA). Also called: Fanconi's anemia. Identifiers: Orphanet 84, MedGen C0015625, MeSH D005199, MONDO:0019391.
Inborn genetic diseases. Identifiers: MedGen C0950123, MeSH D030342.
Fanconi anemia complementation group A (FANCA). Also called: FANCA-Related Fanconi Anemia; Fanconi anemia, group A. Identifiers: Orphanet 84, MedGen C3469521, MONDO:0009215, OMIM 227650.

Allele frequency attached by ClinVar (database versions not stated): gnomAD 0.00003; TOPMed 0.00003; ESP Exome Variant Server 0.00008; 1000 Genomes Project 30x 0.00016; 1000 Genomes Project 0.00020.
gnomAD v4.1: 12 of 1,613,874 alleles (0.00074%); highest among the groups gnomAD compares: African/African-American, 0.016%; no homozygotes.

Submissions (3):

Labcorp Genetics (formerly Invitae), Labcorp
Classification: Likely benign for Fanconi anemia. Last evaluated: 2025-12-15. Review status: criteria provided, single submitter. Criteria: Invitae Variant Classification Sherloc (09022015). Collection method: clinical testing. Allele origin: germline.

Ambry Genetics
Classification: Uncertain significance for Inborn genetic diseases. Last evaluated: 2025-04-17. Review status: criteria provided, single submitter. Criteria: Ambry Variant Classification Scheme 2023. Collection method: clinical testing. Allele origin: germline.
Comment: The p.V301L variant (also known as c.901G>C), located in coding exon 11 of the FANCA gene, results from a G to C substitution at nucleotide position 901. The valine at codon 301 is replaced by leucine, an amino acid with highly similar properties. This amino acid position is conserved. In addition, this alteration is predicted to be tolerated by in silico analysis. Based on the available evidence, the clinical significance of this variant remains unclear.

Fulgent Genetics
Classification: Uncertain significance for Fanconi anemia complementation group A. Last evaluated: 2024-01-24. Review status: criteria provided, single submitter. Criteria: ACMG Guidelines, 2015. Collection method: clinical testing. Allele origin: germline.

NM_000135.4(FANCA):c.901G>C (p.Val301Leu)

Gene: FANCA (FA complementation group A; minus strand). Cytogenetic location: 16q24.3.
Variant type: single nucleotide variant.
Coding change: c.901G>C on transcript NM_000135.4 (MANE Select); coding-DNA position 901, G replaced by C.
Protein change: p.Val301Leu; replaces valine 301 with leucine.
Molecular consequence: missense variant.
Genome position (GRCh38, 1-based): chr16:89,796,011, C>G on the plus strand (G>C on the coding strand, the complement: FANCA is on the minus strand). VCF-style: chr16-89796011-C-G. GRCh37 (hg19) VCF-style: chr16-89862419-C-G.
Other names: c.901G>C, p.Val301Leu (NM_001286167.3); short protein forms V301L.
Identifiers: ClinVar variation 2875591 (VCV002875591.4), dbSNP rs201134867, ClinGen allele CA8252639.